The following is an entry in ClinVar:

ClinVar aggregate classification (germline): Conflicting classifications of pathogenicity. Review status: criteria provided, conflicting classifications (1 of 4 stars). 3 submissions from 3 submitters: Likely pathogenic (1); Uncertain significance (2). Last evaluated 2025-07-17.

Conditions:
CFTR-related disorder (CFTR-RD). Also called: CFTR-related condition; CFTR-related disorders. Identifiers: MedGen C5924204, MONDO:7770004.

Submissions (3):

Natera, Inc.
Classification: Likely pathogenic for CFTR-related disorders. Last evaluated: 2025-07-17. Review status: criteria provided, single submitter. Criteria: Natera Variant Classification Schema (03/2026). Collection method: clinical testing. Allele origin: germline.
Comment: The c.340_342delAAG variant in CFTR is an in-frame deletion predicted to remove lysine at amino acid 114 while preserving the reading frame. This variant is rare in the general population with a frequency below the threshold expected for the associated phenotype(s). This variant has been observed in one or more individuals affected with the associated recessive disease, as either homozygous or compound heterozygous with a second variant (PMID: 23810505). Additionally, this variant has been observed to segregate in affected family members (PMID: 23810505). This variant results in a change to the protein length while preserving reading frame, which may disrupt normal protein structure or function. Given the available evidence, this variant is classified as Likely Pathogenic.

Women's Health and Genetics/Laboratory Corporation of America, LabCorp
Classification: Uncertain significance. Last evaluated: 2023-11-28. Review status: criteria provided, single submitter. Criteria: LabCorp Variant Classification Summary - May 2015. Collection method: clinical testing. Allele origin: germline.
Comment: Variant summary: CFTR c.340_342delAAG (p.Lys114del) results in an in-frame deletion that is predicted to remove one amino acids from the encoded protein. The variant was absent in 251076 control chromosomes. c.340_342delAAG has been reported in the literature in siblings diagnosed with Cystic Fibrosis (Prach_2013). These data indicate that the variant may be associated with disease. To our knowledge, no experimental evidence demonstrating an impact on protein function has been reported. The following publication have been ascertained in the context of this evaluation (PMID: 23810505). One submitter has cited clinical-significance assessments for this variant to ClinVar after 2014 and has classified the variant as uncertain significance. Based on the evidence outlined above, the variant was classified as VUS-possibly pathogenic.

Quest Diagnostics Nichols Institute San Juan Capistrano
Classification: Uncertain significance. Last evaluated: 2017-10-03. Review status: criteria provided, single submitter. Criteria: Quest Diagnostics criteria. Collection method: clinical testing. Allele origin: unknown.

Literature cited by the submitters: PubMed 23810505 (cited by Natera, Inc. and Women's Health and Genetics/Laboratory Corporation of America, LabCorp).

NM_000492.4(CFTR):c.340_342del (p.Lys114del)

Gene: CFTR (CF transmembrane conductance regulator; plus strand). Cytogenetic location: 7q31.2.
Variant type: Deletion.
Coding change: c.340_342del on transcript NM_000492.4 (MANE Select); coding-DNA positions 340 to 342, 3 bases deleted (AAG; older notation c.340_342delAAG).
Protein change: p.Lys114del; deletes lysine 114.
Molecular consequence: inframe deletion.
Genome position (GRCh38, 1-based): chr7:117,530,965-117,530,967, AAG deleted. VCF-style (leftmost placement, unchanged base first): chr7-117530964-CAAG-C. GRCh37 (hg19) VCF-style: chr7-117171018-CAAG-C.
Other names: c.340_342delAAG (NM_000492.4, NM_000492.3); short protein forms K114del.
Identifiers: ClinVar variation 439075 (VCV000439075.4), dbSNP rs1554379808, ClinGen allele CA645509175.